The following is an entry in ClinVar:

ClinVar aggregate classification (germline): Benign/Likely benign. Review status: criteria provided, multiple submitters, no conflicts (2 of 4 stars). 4 submissions from 4 submitters: Benign (1); Likely benign (3). Last evaluated 2026-09-23.

Conditions:
Hereditary cancer-predisposing syndrome. Also called: Hereditary Cancer Syndrome; Tumor predisposition; Hereditary neoplastic syndrome; Neoplastic Syndromes, Hereditary. Identifiers: Orphanet 140162, MedGen C0027672, MeSH D009386, MONDO:0015356.
Neurofibromatosis, type 1 (NF1). Also called: Peripheral type neurofibromatosis; Neurofibromatosis, type I; VON RECKLINGHAUSEN DISEASE; NEUROFIBROMATOSIS, TYPE I, SOMATIC. Identifiers: Orphanet 636, MedGen C0027831, MONDO:0018975, OMIM 162200. Disease mechanism: loss of function.

gnomAD v4.1: 1 of 1,614,076 alleles (0.000062%); no homozygotes.

Submissions (4):

Myriad Genetics, Inc.
Classification: Benign for Neurofibromatosis, type 1. Last evaluated: 2026-09-23. Review status: criteria provided, single submitter. Criteria: Myriad Autosomal Dominant, Autosomal Recessive and X-Linked Classification Criteria (2023). Collection method: clinical testing. Allele origin: unknown.
Comment: This variant is considered benign. This variant is a silent/synonymous amino acid change and it is not expected to impact splicing.

Labcorp Genetics (formerly Invitae), Labcorp
Classification: Likely benign for Neurofibromatosis, type 1. Last evaluated: 2024-05-20. Review status: criteria provided, single submitter. Criteria: Invitae Variant Classification Sherloc (09022015). Collection method: clinical testing. Allele origin: germline.

Genome-Nilou Lab
Classification: Likely benign for Neurofibromatosis, type 1. Last evaluated: 2022-03-15. Review status: criteria provided, single submitter. Criteria: ACMG Guidelines, 2015. Collection method: clinical testing. Allele origin: germline. Affected: no.

Ambry Genetics
Classification: Likely benign for Hereditary cancer-predisposing syndrome. Last evaluated: 2015-09-03. Review status: criteria provided, single submitter. Criteria: Ambry Autosomal Dominant and X-Linked criteria (10/2015). Collection method: clinical testing. Allele origin: germline. Observed: 1 variant allele.

NM_001042492.3(NF1):c.6333A>G (p.Val2111=)

Gene: NF1 (neurofibromin 1; plus strand). Cytogenetic location: 17q11.2.
Variant type: single nucleotide variant.
Coding change: c.6333A>G on transcript NM_001042492.3 (MANE Select); coding-DNA position 6333, A replaced by G.
Protein change: p.Val2111=; no amino-acid change (valine 2111 retained).
Molecular consequence: synonymous variant.
Genome position (GRCh38, 1-based): chr17:31,336,820, A>G. VCF-style: chr17-31336820-A-G. GRCh37 (hg19) VCF-style: chr17-29663838-A-G.
Other names: c.6270A>G, p.Val2090= (NM_000267.4).
Identifiers: ClinVar variation 233717 (VCV000233717.12), dbSNP rs876660592, ClinGen allele CA10580377.
Genomic context (GRCh38, chr17:31,336,820, plus strand): 5'-CAATTCCCTTGATGTGGCAGCTCATCTTCCCTACCTCTTCCACGTTGTTACTTTCTTAGT[A>G]GCCACAGGTCCGCTCTCCCTTAGAGCTTCCACACATGGACTGGTCATTAATATCATTCAC-3'
Protein context (NP_001035957.1, residues 2101-2121): PYLFHVVTFL[Val2111=]ATGPLSLRAS